The following is an entry in ClinVar:

NM_024757.5(EHMT1):c.3405C>A (p.Asp1135Glu)

Gene: EHMT1 (euchromatic histone lysine methyltransferase 1; plus strand). Cytogenetic location: 9q34.3.
Variant type: single nucleotide variant.
Coding change: c.3405C>A on transcript NM_024757.5 (MANE Select); coding-DNA position 3405, C replaced by A.
Protein change: p.Asp1135Glu; replaces aspartic acid 1135 with glutamic acid.
Molecular consequence: missense variant.
Genome position (GRCh38, 1-based): chr9:137,817,469, C>A. VCF-style: chr9-137817469-C-A. GRCh37 (hg19) VCF-style: chr9-140711921-C-A.
Other names: c.3384C>A, p.Asp1128Glu (NM_001354263.2); short protein forms D1128E, D1135E.
Identifiers: ClinVar variation 1802065 (VCV001802065.6), dbSNP rs2538749157, ClinGen allele CA375772987.

ClinVar aggregate classification (germline): Uncertain significance. Review status: criteria provided, multiple submitters, no conflicts (2 of 4 stars). 2 submissions from 2 submitters: Uncertain significance (2). Last evaluated 2025-08-11.

Conditions:
Kleefstra syndrome 1 (KLEFS1). Identifiers: Orphanet 261494, MedGen C0795833, MONDO:0027407, OMIM 610253.

Submissions (2):

Labcorp Genetics (formerly Invitae), Labcorp
Classification: Uncertain significance for Kleefstra syndrome 1. Last evaluated: 2025-08-11. Review status: criteria provided, single submitter. Criteria: Invitae Variant Classification Sherloc (09022015). Collection method: clinical testing. Allele origin: germline.
Comment: This sequence change replaces aspartic acid, which is acidic and polar, with glutamic acid, which is acidic and polar, at codon 1135 of the EHMT1 protein (p.Asp1135Glu). This variant is not present in population databases (gnomAD no frequency). This variant has not been reported in the literature in individuals affected with EHMT1-related conditions. ClinVar contains an entry for this variant (Variation ID: 1802065). Invitae Evidence Modeling of protein sequence and biophysical properties (such as structural, functional, and spatial information, amino acid conservation, physicochemical variation, residue mobility, and thermodynamic stability) indicates that this missense variant is not expected to disrupt EHMT1 protein function with a negative predictive value of 80%. In summary, the available evidence is currently insufficient to determine the role of this variant in disease. Therefore, it has been classified as a Variant of Uncertain Significance.

GeneDx
Classification: Uncertain significance. Last evaluated: 2022-05-31. Review status: criteria provided, single submitter. Criteria: GeneDx Variant Classification Process June 2021. Collection method: clinical testing. Allele origin: germline. Affected: yes.
Comment: Not observed at significant frequency in large population cohorts (gnomAD); In silico analysis supports that this missense variant does not alter protein structure/function; Has not been previously published as pathogenic or benign to our knowledge